The following is an entry in ClinVar:

ClinVar aggregate classification (germline): Uncertain significance. Review status: criteria provided, multiple submitters, no conflicts (2 of 4 stars). 2 submissions from 2 submitters: Uncertain significance (2). Last evaluated 2025-05-18.

Conditions:
Myofibrillar myopathy 4. Also called: Zaspopathy (type). Identifiers: Orphanet 98912, MedGen C4721886, MONDO:0012277, OMIM 609452.

Submissions (2):

Labcorp Genetics (formerly Invitae), Labcorp
Classification: Uncertain significance for Myofibrillar myopathy 4. Last evaluated: 2025-05-18. Review status: criteria provided, single submitter. Criteria: Invitae Variant Classification Sherloc (09022015). Collection method: clinical testing. Allele origin: germline.
Comment: The LDB3 gene has multiple clinically relevant transcripts. This variant occurs in alternate transcript NM_007078.3, and corresponds to NM_001080116.1:c.*7159C>A in the primary transcript. This sequence change replaces threonine, which is neutral and polar, with asparagine, which is neutral and polar, at codon 300 of the LDB3 protein (p.Thr300Asn). This variant is not present in population databases (gnomAD no frequency). This variant has not been reported in the literature in individuals affected with LDB3-related conditions. Experimental studies and prediction algorithms are not available or were not evaluated, and the functional significance of this variant is currently unknown. In summary, the available evidence is currently insufficient to determine the role of this variant in disease. Therefore, it has been classified as a Variant of Uncertain Significance.

Laboratory for Molecular Medicine, Mass General Brigham Personalized Medicine
Classification: Uncertain significance. Last evaluated: 2012-04-26. Review status: criteria provided, single submitter. Criteria: LMM Criteria. Collection method: clinical testing. Allele origin: germline. Observed: 1 variant allele.
Comment: Variant classified as Uncertain Significance - Favor Pathogenic. The Thr300Asn v ariant (LDB3) has not been previously reported in the literature or been identif ied by our laboratory. Thr300 is highly conserved across evolutionarily distant species, and computational analyses (PolyPhen2 and SIFT) suggest that the Thr300 Asn variant may impact the normal function of the protein. However, the accuracy of these tools has not been validated and this information is therefore not str ong enough to predict pathogenicity. Additional studies are needed to fully ass ess the clinical significance of this variant.

NM_007078.3(LDB3):c.899C>A (p.Thr300Asn)

Gene: LDB3 (LIM domain binding 3; plus strand). Cytogenetic location: 10q23.2.
Variant type: single nucleotide variant.
Coding change: c.899C>A on transcript NM_007078.3 (MANE Select); coding-DNA position 899, C replaced by A.
Protein change: p.Thr300Asn; replaces threonine 300 with asparagine.
Molecular consequence: missense variant. On other transcripts: intron variant (4).
Genome position (GRCh38, 1-based): chr10:86,706,533, C>A. VCF-style: chr10-86706533-C-A. GRCh37 (hg19) VCF-style: chr10-88466290-C-A.
Other names: c.758C>A, p.Thr253Asn (NM_001368066.1); c.897-3372C>A (NM_001368064.1, NM_001368065.1); c.1101-3372C>A (NM_001171610.2); c.756-3372C>A (NM_001080114.2); short protein forms T300N, T253N.
Identifiers: ClinVar variation 45558 (VCV000045558.5), dbSNP rs397517228, ClinGen allele CA136646.